The following is an entry in ClinVar:

ClinVar aggregate classification (germline): Likely benign (1 of 4 stars; one submission).

Allele frequency attached by ClinVar (database versions not stated): gnomAD exomes below 0.00001.
gnomAD v4.1: 2 of 1,613,630 alleles (0.00012%); highest among the groups gnomAD compares: Non-Finnish European, 0.00017%; no homozygotes.

Submission:

Laboratory for Molecular Medicine, Mass General Brigham Personalized Medicine
Classification: Likely benign. Last evaluated: 2015-09-14. Review status: criteria provided, single submitter. Criteria: LMM Criteria. Collection method: clinical testing. Allele origin: germline. Observed: 1 variant allele.
Comment: c.1091-10T>C in intron 10 of RDX: This variant is not expected to have clinical significance because a T>C change at this position does not diverge from the spl ice consensus sequence and is therefore unlikely to impact splicing.

NM_002906.4(RDX):c.1091-10T>C

Gene: RDX (radixin; minus strand). Cytogenetic location: 11q22.3.
Variant type: single nucleotide variant.
Coding change: c.1091-10T>C on transcript NM_002906.4 (MANE Select); 10 bases into the intron before coding-DNA position 1091, T replaced by C.
Molecular consequence: intron variant.
Genome position (GRCh38, 1-based): chr11:110,237,662, A>G on the plus strand (T>C on the coding strand, the complement: RDX is on the minus strand). VCF-style: chr11-110237662-A-G. GRCh37 (hg19) VCF-style: chr11-110108387-A-G.
Other names: c.1091-10T>C (NM_001260493.2, NM_001260492.2); c.50-10T>C (NM_001260495.2); c.405-5658T>C (NM_001260496.2); c.683-10T>C (NM_001260494.2).
Identifiers: ClinVar variation 227898 (VCV000227898.5), dbSNP rs876657572, ClinGen allele CA10576830.